The following is an entry in ClinVar:

NM_004252.5(NHERF1):c.441+7G>A

Genes: NHERF1 (NHERF family PDZ scaffold protein 1; plus strand), SLC9A3R1-AS1 (SLC9A3R1 antisense RNA 1; minus strand). Cytogenetic location: 17q25.1.
Variant type: single nucleotide variant.
Coding change: c.441+7G>A on transcript NM_004252.5 (MANE Select); 7 bases into the intron after coding-DNA position 441, G replaced by A.
Molecular consequence: intron variant. On other transcripts: non-coding transcript variant (1).
Genome position (GRCh38, 1-based): chr17:74,749,294, G>A. VCF-style: chr17-74749294-G-A. GRCh37 (hg19) VCF-style: chr17-72745433-G-A.
Identifiers: ClinVar variation 3041699 (VCV003041699.4), dbSNP rs186599781, ClinGen allele CA8750583.

ClinVar aggregate classification (germline): Benign. Review status: criteria provided, single submitter (1 of 4 stars). 2 submissions from 2 submitters: Benign (1). 1 of the submissions does not count toward it. Last evaluated 2024-06-03.

Conditions:
NHERF1-related disorder. Also called: NHERF1-related condition.

Allele frequency attached by ClinVar (database versions not stated): TOPMed 0.00002; ExAC 0.00011; gnomAD exomes 0.00031; 1000 Genomes Project 30x 0.00047; 1000 Genomes Project 0.00060; gnomAD 0.00086.
gnomAD v4.1: 556 of 1,527,212 alleles (0.036%); highest among the groups gnomAD compares: Non-Finnish European, 0.0025%; 3 homozygotes.

Submissions (2):

Labcorp Genetics (formerly Invitae), Labcorp
Classification: Benign. Last evaluated: 2024-06-03. Review status: criteria provided, single submitter. Criteria: Invitae Variant Classification Sherloc (09022015). Collection method: clinical testing. Allele origin: germline.

PreventionGenetics, part of Exact Sciences
Classification: Benign for NHERF1-related condition. Last evaluated: 2019-03-05. Review status: no assertion criteria provided. Collection method: clinical testing. Allele origin: germline. Not counted in ClinVar's aggregate classification.
Comment: This variant is classified as benign based on ACMG/AMP sequence variant interpretation guidelines (Richards et al. 2015 PMID: 25741868, with internal and published modifications).